The following is an entry in ClinVar:

ClinVar aggregate classification (germline): Benign. Review status: criteria provided, multiple submitters, no conflicts (2 of 4 stars). 9 submissions from 9 submitters: Benign (7). 2 of the submissions do not count toward it. Last evaluated 2026-02-02.

Conditions:
Holoprosencephaly 11 (HPE11). Identifiers: Orphanet 2162, MedGen C3280215, MONDO:0013642, OMIM 614226.

Allele frequency attached by ClinVar (database versions not stated): 1000 Genomes Project 30x 0.24157; 1000 Genomes Project 0.24221; TOPMed 0.24643; gnomAD 0.25099 and 0.25440; ESP Exome Variant Server 0.25308.
gnomAD v4.1: 488,083 of 1,613,642 alleles (30%); highest among the groups gnomAD compares: South Asian, 32%; 75,680 homozygotes.

Submissions (9):

Labcorp Genetics (formerly Invitae), Labcorp
Classification: Benign for Holoprosencephaly 11. Last evaluated: 2026-02-02. Review status: criteria provided, single submitter. Criteria: Invitae Variant Classification Sherloc (09022015). Collection method: clinical testing. Allele origin: germline.

Blueprint Genetics
Classification: Benign. Last evaluated: 2024-11-27. Review status: criteria provided, single submitter. Criteria: ACMG Guidelines, 2015. Collection method: clinical testing. Allele origin: germline.

Genome-Nilou Lab
Classification: Benign for Holoprosencephaly 11. Last evaluated: 2021-07-22. Review status: criteria provided, single submitter. Criteria: ACMG Guidelines, 2015. Collection method: clinical testing. Allele origin: germline. Affected: no.

GeneDx
Classification: Benign. Last evaluated: 2018-12-23. Review status: criteria provided, single submitter. Criteria: GeneDx Variant Classification Process June 2021. Collection method: clinical testing. Allele origin: germline. Affected: yes.

Illumina Laboratory Services, Illumina
Classification: Benign for Holoprosencephaly 11. Last evaluated: 2018-01-13. Review status: criteria provided, single submitter. Criteria: ICSL Variant Classification Criteria 13 December 2019. Collection method: clinical testing. Allele origin: germline.
Comment: This variant was observed in the ICSL laboratory as part of a predisposition screen in an ostensibly healthy population. It had not been previously curated by ICSL or reported in the Human Gene Mutation Database (HGMD: prior to June 1st, 2018), and was therefore a candidate for classification through an automated scoring system. Utilizing variant allele frequency, disease prevalence and penetrance estimates, and inheritance mode, an automated score was calculated to assess if this variant is too frequent to cause the disease. Based on the score and internal cut-off values, a variant classified as benign is not then subjected to further curation. The score for this variant resulted in a classification of benign for this disease.

Breakthrough Genomics
Classification: Benign. Review status: criteria provided, single submitter. Criteria: ACMG Guidelines, 2015. Collection method: not provided. Allele origin: germline. Inheritance: Autosomal dominant inheritance. Affected: yes.

PreventionGenetics, part of Exact Sciences
Classification: Benign. Review status: criteria provided, single submitter. Criteria: ACMG Guidelines, 2015. Collection method: clinical testing. Allele origin: germline.

Clinical Genetics, Academic Medical Center
Classification: Benign. Review status: no assertion criteria provided. Collection method: clinical testing. Allele origin: germline. Affected: yes. Study: VKGL Data-share Consensus. Not counted in ClinVar's aggregate classification.

Diagnostic Laboratory, Department of Genetics, University Medical Center Groningen
Classification: Benign. Review status: no assertion criteria provided. Collection method: clinical testing. Allele origin: germline. Affected: yes. Study: VKGL Data-share Consensus. Not counted in ClinVar's aggregate classification.

NM_001378964.1(CDON):c.3549C>T (p.Val1183=)

Gene: CDON (cell adhesion associated, oncogene regulated; minus strand). Cytogenetic location: 11q24.2.
Variant type: single nucleotide variant.
Coding change: c.3549C>T on transcript NM_001378964.1 (MANE Select); coding-DNA position 3549, C replaced by T.
Protein change: p.Val1183=; no amino-acid change (valine 1183 retained).
Molecular consequence: synonymous variant.
Genome position (GRCh38, 1-based): chr11:125,961,806, G>A on the plus strand (C>T on the coding strand, the complement: CDON is on the minus strand). VCF-style: chr11-125961806-G-A. GRCh37 (hg19) VCF-style: chr11-125831701-G-A.
Other names: c.3549C>T, p.Val1183= (NM_001243597.3, NM_016952.6).
Identifiers: ClinVar variation 260797 (VCV000260797.23), dbSNP rs2276061, ClinGen allele CA6351380.